The following is an entry in ClinVar:

NM_007294.4(BRCA1):c.2078_2079insTA (p.Ser694fs)

Gene: BRCA1 (BRCA1 DNA repair associated; minus strand). Cytogenetic location: 17q21.31.
Variant type: Insertion.
Coding change: c.2078_2079insTA on transcript NM_007294.4 (MANE Select); coding-DNA positions 2078 to 2079, TA inserted.
Protein change: p.Ser694fs; shifts the reading frame from serine 694.
Molecular consequence: frameshift variant. On other transcripts: intron variant (137).
Genome position: GRCh38 VCF-style: chr17-43093452-G-GTA. GRCh37 (hg19) VCF-style: chr17-41245469-G-GTA.
Other names: 2197ins2; c.2078_2079insTA, p.Ser694fs (NM_007294.3, NM_001407854.1, NM_001407858.1 and 31 more transcripts); c.1937_1938insTA, p.Ser647fs (NM_001407734.1, NM_001407735.1, NM_001407736.1 and 29 more transcripts); c.1934_1935insTA, p.Ser646fs (NM_001407740.1, NM_001407741.1, NM_001407742.1 and 20 more transcripts); c.1865_1866insTA, p.Ser623fs (NM_001407853.1, NM_001407894.1, NM_001407895.1 and 9 more transcripts); c.2075_2076insTA, p.Ser693fs (NM_001407860.1, NM_001407861.1, NM_001407587.1 and 22 more transcripts); c.1877_1878insTA, p.Ser627fs (NM_001407862.1); c.1955_1956insTA, p.Ser653fs (NM_001407863.1, NM_001407919.1, NM_001407937.1 and 19 more transcripts); and 41 more; short protein forms S694fs, S647fs, S398fs, S567fs, S583fs, S668fs, S693fs, S526fs.
Identifiers: ClinVar variation 266213 (VCV000266213.6), dbSNP rs886039992, ClinGen allele CA10589898.
Genomic context (GRCh38, chr17:43,093,452, plus strand): 5'-TGAACACTTAGTAAAAGAACCAGGTGCATTTGTTAACTTCAGCTCTGGGAAAGTATCGCT[G>GTA]TCATGTCTTTTACTTGTCTGTTCATTTGGCTTGTTACTCTTCTTGGCTCCAGTTGCAGGT-3'

ClinVar aggregate classification (germline): Pathogenic. Review status: reviewed by expert panel (3 of 4 stars). 2 submissions from 2 submitters: Pathogenic (1). 1 of the submissions does not count toward it. Last evaluated 2016-10-18.

Conditions:
Breast-ovarian cancer, familial, susceptibility to, 1 (BROVCA1). Also called: BRCA1 Hereditary Breast and Ovarian Cancer; OVARIAN CANCER, SUSCEPTIBILITY TO. Identifiers: Orphanet 145, MedGen C2676676, MONDO:0011450, OMIM 604370. Disease mechanism: loss of function.

Submissions (2):

Evidence-based Network for the Interpretation of Germline Mutant Alleles (ENIGMA)
Classification: Pathogenic for Breast-ovarian cancer, familial, susceptibility to, 1. Last evaluated: 2016-10-18. Review status: reviewed by expert panel. Criteria: ENIGMA BRCA1/2 Classification Criteria (2015). Collection method: curation. Allele origin: germline.
Comment: Variant allele predicted to encode a truncated non-functional protein.

Consortium of Investigators of Modifiers of BRCA1/2 (CIMBA), c/o University of Cambridge
Classification: Pathogenic for Breast-ovarian cancer, familial, susceptibility to, 1. Last evaluated: 2015-10-02. Review status: criteria provided, single submitter. Criteria: CIMBA Mutation Classification guidelines May 2016. Collection method: clinical testing. Allele origin: germline. Not counted in ClinVar's aggregate classification.